The following is an entry in ClinVar:

ClinVar aggregate classification (germline): Uncertain significance. Review status: criteria provided, multiple submitters, no conflicts (2 of 4 stars). 10 submissions from 10 submitters: Uncertain significance (9). 1 of the submissions does not count toward it. Last evaluated 2025-11-18.

Conditions:
Hereditary cancer-predisposing syndrome. Also called: Neoplastic Syndromes, Hereditary; Tumor predisposition; Hereditary Cancer Syndrome; Hereditary neoplastic syndrome. Identifiers: Orphanet 140162, MedGen C0027672, MeSH D009386, MONDO:0015356.
Familial cancer of breast. Also called: Hereditary breast cancer; BREAST CANCER, FAMILIAL; hereditary breast carcinoma. Identifiers: Orphanet 227535, MedGen C0346153, MONDO:0016419, OMIM 114480. Disease mechanism: loss of function.
Ataxia-telangiectasia syndrome (AT). Also called: Ataxia telangiectasia (A-T); Ataxia-telangiectasia, complementation group D; AT, COMPLEMENTATION GROUP C; ATAXIA-TELANGIECTASIA, COMPLEMENTATION GROUP A; Ataxia-telangiectasia, complementation group E; ATAXIA-TELANGIECTASIA, FRESNO VARIANT. Identifiers: Orphanet 100, MedGen C0004135, MONDO:0008840, OMIM 208900.

Allele frequency attached by ClinVar (database versions not stated): gnomAD exomes 0.00002; 1000 Genomes Project 30x 0.00016; 1000 Genomes Project 0.00020; gnomAD 0.00001; TOPMed 0.00001; ExAC 0.00002.
gnomAD v4.1: 10 of 1,546,278 alleles (0.00065%); highest among the groups gnomAD compares: Admixed American, 0.0068%; no homozygotes.

Submissions (10):

Labcorp Genetics (formerly Invitae), Labcorp
Classification: Uncertain significance for Ataxia-telangiectasia syndrome. Last evaluated: 2025-11-18. Review status: criteria provided, single submitter. Criteria: Invitae Variant Classification Sherloc (09022015). Collection method: clinical testing. Allele origin: germline.
Comment: This sequence change replaces serine, which is neutral and polar, with proline, which is neutral and non-polar, at codon 1232 of the ATM protein (p.Ser1232Pro). This variant is present in population databases (rs183532834, gnomAD 0.009%). This missense change has been observed in individual(s) with unspecified cancer (PMID: 28873162). ClinVar contains an entry for this variant (Variation ID: 567819). Invitae Evidence Modeling of protein sequence and biophysical properties (such as structural, functional, and spatial information, amino acid conservation, physicochemical variation, residue mobility, and thermodynamic stability) indicates that this missense variant is not expected to disrupt ATM protein function with a negative predictive value of 95%. In summary, the available evidence is currently insufficient to determine the role of this variant in disease. Therefore, it has been classified as a Variant of Uncertain Significance.

Quest Diagnostics Nichols Institute San Juan Capistrano
Classification: Uncertain significance. Last evaluated: 2025-07-23. Review status: criteria provided, single submitter. Criteria: Quest Diagnostics criteria. Collection method: clinical testing. Allele origin: unknown.

Ambry Genetics
Classification: Uncertain significance for Hereditary cancer-predisposing syndrome. Last evaluated: 2024-12-20. Review status: criteria provided, single submitter. Criteria: Ambry Variant Classification Scheme 2023. Collection method: clinical testing. Allele origin: germline.
Comment: The p.S1232P variant (also known as c.3694T>C), located in coding exon 24 of the ATM gene, results from a T to C substitution at nucleotide position 3694. The serine at codon 1232 is replaced by proline, an amino acid with similar properties. This alteration was not observed in 7,051 unselected female breast cancer patients, though was observed with an allele frequency of 0.00018 in 11,241 female controls of Japanese ancestry. In addition, it was not observed in unselected male breast cancer patients or male controls of Japanese ancestry (Momozawa Y et al. Nat Commun, 2018 10;9:4083). This amino acid position is well conserved in available vertebrate species. In addition, the in silico prediction for this alteration is inconclusive. Based on the available evidence, the clinical significance of this variant remains unclear.

GeneDx
Classification: Uncertain significance. Last evaluated: 2024-09-09. Review status: criteria provided, single submitter. Criteria: GeneDx Variant Classification Process June 2021. Collection method: clinical testing. Allele origin: germline. Affected: yes.
Comment: Not observed at significant frequency in large population cohorts (gnomAD); In silico analysis indicates that this missense variant does not alter protein structure/function; Absent in cases but present in controls in a breast cancer case-control study (PMID: 30287823); This variant is associated with the following publications: (PMID: 28873162, 19781682, 30287823, 36243179)

Baylor Genetics
Classification: Uncertain significance for Familial cancer of breast. Last evaluated: 2023-10-26. Review status: criteria provided, single submitter. Criteria: ACMG Guidelines, 2015. Collection method: clinical testing. Allele origin: unknown.

Color Diagnostics, LLC DBA Color Health
Classification: Uncertain significance for Hereditary cancer-predisposing syndrome. Last evaluated: 2023-07-11. Review status: criteria provided, single submitter. Criteria: ACMG Guidelines, 2015. Collection method: clinical testing. Allele origin: germline.
Comment: This missense variant replaces serine with proline at codon 1232 of the ATM protein. Computational prediction suggests that this variant may not impact protein structure and function (internally defined REVEL score threshold <= 0.5, PMID: 27666373). To our knowledge, functional studies have not been reported for this variant. This variant has not been reported in individuals affected with hereditary cancer in the literature. This variant has been identified in 4/248336 chromosomes in the general population by the Genome Aggregation Database (gnomAD). The available evidence is insufficient to determine the role of this variant in disease conclusively. Therefore, this variant is classified as a Variant of Uncertain Significance.

Women's Health and Genetics/Laboratory Corporation of America, LabCorp
Classification: Uncertain significance. Last evaluated: 2023-02-13. Review status: criteria provided, single submitter. Criteria: LabCorp Variant Classification Summary - May 2015. Collection method: clinical testing. Allele origin: germline.
Comment: Variant summary: ATM c.3694T>C (p.Ser1232Pro) results in a non-conservative amino acid change in the encoded protein sequence. Three of five in-silico tools predict a benign effect of the variant on protein function. The variant allele was found at a frequency of 1.6e-05 in 248336 control chromosomes. The available data on variant occurrences in the general population are insufficient to allow any conclusion about variant significance. c.3694T>C has been reported in the literature in at least one individual affected with advanced cancer without clinical information or evidence of cosegregation (Mandelker_2017). The variant has been reported as a VUS in the Japanese population based on its occurrence in 2/11241 controls but not in 7051 breast cancer cases in women (e.g. Momozawa_2018). These reports do not provide unequivocal conclusions about association of the variant with Ataxia Telangiectasia or Breast Cancer. To our knowledge, no experimental evidence demonstrating an impact on protein function has been reported. Seven other submitters have provided clinical-significance assessments for this variant to ClinVar after 2014, and all laboratories classified the variant as uncertain significance. Based on the evidence outlined above, the variant was classified as uncertain significance.

Sema4
Classification: Uncertain significance for Hereditary cancer-predisposing syndrome. Last evaluated: 2022-03-18. Review status: criteria provided, single submitter. Criteria: Sema4 Curation Guidelines. Collection method: curation. Allele origin: germline.
Comment: The ATM c.3694T>C (p.S1232P) variant has been reported in heterozygosity in 1/1005 pancreatic cancer cases and 2/23705 controls from the same study (PMID: 28873162, 30287823, 32980694). It was observed in 3/33780 chromosomes of the Latino subpopulation in the large and broad cohorts of the Genome Aggregation Database (PMID: 32461654). The variant has been reported in ClinVar (Variation ID 567819). Functional studies have not been performed, and in silico predictions of the variant's effect on protein function are inconclusive. The evidence is insufficient to meet ACMG/AMP criteria for classifying the variant as benign or pathogenic. Thus, the clinical significance of this variant is currently uncertain.

Fulgent Genetics
Classification: Uncertain significance for Familial cancer of breast; Ataxia-telangiectasia syndrome. Last evaluated: 2018-10-31. Review status: criteria provided, single submitter. Criteria: ACMG Guidelines, 2015. Collection method: clinical testing. Allele origin: unknown.

Natera, Inc.
Classification: Uncertain significance for Ataxia-telangiectasia. Last evaluated: 2021-05-25. Review status: no assertion criteria provided. Collection method: clinical testing. Allele origin: germline. Not counted in ClinVar's aggregate classification.

Literature cited by the submitters: PubMed 28873162 (cited by 3 submitters); PubMed 30287823 (cited by 3 submitters); PubMed 32980694 (cited by Sema4).

NM_000051.4(ATM):c.3694T>C (p.Ser1232Pro)

Gene: ATM (ATM serine/threonine kinase; plus strand). Cytogenetic location: 11q22.3.
Variant type: single nucleotide variant.
Coding change: c.3694T>C on transcript NM_000051.4 (MANE Select); coding-DNA position 3694, T replaced by C.
Protein change: p.Ser1232Pro; replaces serine 1232 with proline.
Molecular consequence: missense variant.
Genome position (GRCh38, 1-based): chr11:108,282,827, T>C. VCF-style: chr11-108282827-T-C. GRCh37 (hg19) VCF-style: chr11-108153554-T-C.
Other names: c.3694T>C, p.Ser1232Pro (NM_001351834.2); short protein forms S1232P.
Identifiers: ClinVar variation 567819 (VCV000567819.27), dbSNP rs183532834, ClinGen allele CA6265332.
Genomic context (GRCh38, chr11:108,282,827, plus strand): 5'-TCTCATTTAGATTATCTGGTTTTGGAATGGCTAAATCTTCAAGATACTGAATACAACTTA[T>C]CTTCTTTTCCTTTTATTTTATTAAACTACACAAATATTGAGGATTTCTATAGGTAAGTTT-3'
Protein context (NP_000042.3, residues 1222-1242): LNLQDTEYNL[Ser1232Pro]SFPFILLNYT